The following is an entry in ClinVar:

ClinVar aggregate classification (germline): Uncertain significance (1 of 4 stars; one submission).

Conditions:
Inborn genetic diseases. Identifiers: MedGen C0950123, MeSH D030342.

Submission:

Ambry Genetics
Classification: Uncertain significance for Inborn genetic diseases. Last evaluated: 2025-07-23. Review status: criteria provided, single submitter. Criteria: Ambry Variant Classification Scheme 2023. Collection method: clinical testing. Allele origin: germline.
Comment: The c.341-1G>C intronic variant results from a G to C substitution one nucleotide before coding exon 6 of the PHIP gene. Alterations that disrupt the canonical splice site are expected to result in aberrant splicing. The exact functional effect of this alteration is unknown. This variant was not reported in population-based cohorts in the Genome Aggregation Database (gnomAD). This nucleotide position is highly conserved in available vertebrate species. In silico splice site analysis predicts that this alteration will weaken the native splice acceptor site and may result in the creation or strengthening of a novel splice acceptor site. Based on insufficient or conflicting evidence, the clinical significance of this alteration remains unclear.

NM_017934.7(PHIP):c.341-1G>C

Gene: PHIP (PHIP subunit of CUL4-Ring ligase complex; minus strand). Cytogenetic location: 6q14.1.
Variant type: single nucleotide variant.
Coding change: c.341-1G>C on transcript NM_017934.7 (MANE Select); the canonical splice acceptor site of the intron before coding-DNA position 341, G replaced by C.
Molecular consequence: splice acceptor variant.
Genome position (GRCh38, 1-based): chr6:79,060,577, C>G on the plus strand (G>C on the coding strand, the complement: PHIP is on the minus strand). VCF-style: chr6-79060577-C-G. GRCh37 (hg19) VCF-style: chr6-79770294-C-G.
Identifiers: ClinVar variation 4135811 (VCV004135811.1).